The following is an entry in ClinVar:

ClinVar aggregate classification (germline): Uncertain significance. Review status: criteria provided, multiple submitters, no conflicts (2 of 4 stars). 2 submissions from 2 submitters: Uncertain significance (2). Last evaluated 2026-08-17.

Conditions:
Familial cancer of breast. Also called: hereditary breast carcinoma; BREAST CANCER, FAMILIAL; Hereditary breast cancer. Identifiers: Orphanet 227535, MedGen C0346153, MONDO:0016419, OMIM 114480. Disease mechanism: loss of function.
Hereditary cancer-predisposing syndrome. Also called: Neoplastic Syndromes, Hereditary; Hereditary Cancer Syndrome; Hereditary neoplastic syndrome; Tumor predisposition. Identifiers: Orphanet 140162, MedGen C0027672, MeSH D009386, MONDO:0015356.

Submissions (2):

Ambry Genetics
Classification: Uncertain significance for Hereditary cancer-predisposing syndrome. Last evaluated: 2026-08-17. Review status: criteria provided, single submitter. Criteria: Ambry Variant Classification Scheme 2023. Collection method: clinical testing. Allele origin: germline.
Comment: The p.M491K variant (also known as c.1472T>A), located in coding exon 13 of the CHEK2 gene, results from a T to A substitution at nucleotide position 1472. The methionine at codon 491 is replaced by lysine, an amino acid with similar properties. In an assay testing CHEK2 function, this variant showed a functionally abnormal result (McCarthy-Leo CE et al. PLoS Genet, 2024 Aug;20:e1011375). This amino acid position is highly conserved in available vertebrate species. In addition, the in silico prediction for this alteration is inconclusive. Based on the available evidence, the clinical significance of this variant remains unclear.

Labcorp Genetics (formerly Invitae), Labcorp
Classification: Uncertain significance for Familial cancer of breast. Last evaluated: 2023-05-28. Review status: criteria provided, single submitter. Criteria: Invitae Variant Classification Sherloc (09022015). Collection method: clinical testing. Allele origin: germline.
Comment: In summary, the available evidence is currently insufficient to determine the role of this variant in disease. Therefore, it has been classified as a Variant of Uncertain Significance. An algorithm developed to predict the effect of missense changes on protein structure and function (PolyPhen-2) suggests that this variant is likely to be disruptive. ClinVar contains an entry for this variant (Variation ID: 655511). This variant has not been reported in the literature in individuals affected with CHEK2-related conditions. This variant is not present in population databases (gnomAD no frequency). This sequence change replaces methionine, which is neutral and non-polar, with lysine, which is basic and polar, at codon 491 of the CHEK2 protein (p.Met491Lys).

Literature cited by the submitters: PubMed 39146382 (cited by Ambry Genetics).

NM_007194.4(CHEK2):c.1472T>A (p.Met491Lys)

Gene: CHEK2 (checkpoint kinase 2; minus strand). Cytogenetic location: 22q12.1.
Variant type: single nucleotide variant.
Coding change: c.1472T>A on transcript NM_007194.4 (MANE Select); coding-DNA position 1472, T replaced by A.
Protein change: p.Met491Lys; replaces methionine 491 with lysine.
Molecular consequence: missense variant.
Genome position (GRCh38, 1-based): chr22:28,689,205, A>T on the plus strand (T>A on the coding strand, the complement: CHEK2 is on the minus strand). VCF-style: chr22-28689205-A-T. GRCh37 (hg19) VCF-style: chr22-29085193-A-T.
Other names: c.1601T>A, p.Met534Lys (NM_001005735.3); c.809T>A, p.Met270Lys (NM_001257387.3); c.1271T>A, p.Met424Lys (NM_001349956.3); c.1385T>A, p.Met462Lys (NM_145862.3); short protein forms M534K, M462K, M424K, M270K, M491K.
Identifiers: ClinVar variation 655511 (VCV000655511.10), dbSNP rs1601702472, ClinGen allele CA411092681.